The following is an entry in ClinVar:

ClinVar aggregate classification (germline): Uncertain significance (1 of 4 stars; one submission).

Conditions:
Dilated cardiomyopathy 1J (CMD1J). Also called: CARDIOMYOPATHY, DILATED, WITH SENSORINEURAL HEARING LOSS, AUTOSOMAL DOMINANT. Identifiers: Orphanet 217622, MedGen C1854368, MONDO:0011541, OMIM 605362.

Allele frequency attached by ClinVar (database versions not stated): gnomAD exomes below 0.00001; TOPMed 0.00001.
gnomAD v4.1: 2 of 1,610,666 alleles (0.00012%); highest among the groups gnomAD compares: Non-Finnish European, 0.00017%; no homozygotes.

Submission:

Labcorp Genetics (formerly Invitae), Labcorp
Classification: Uncertain significance for Dilated cardiomyopathy 1J. Last evaluated: 2025-12-01. Review status: criteria provided, single submitter. Criteria: Invitae Variant Classification Sherloc (09022015). Collection method: clinical testing. Allele origin: germline.
Comment: This sequence change replaces alanine, which is neutral and non-polar, with threonine, which is neutral and polar, at codon 506 of the EYA4 protein (p.Ala506Thr). This variant is not present in population databases (gnomAD no frequency). This variant has not been reported in the literature in individuals affected with EYA4-related conditions. ClinVar contains an entry for this variant (Variation ID: 2081009). Invitae Evidence Modeling of protein sequence and biophysical properties (such as structural, functional, and spatial information, amino acid conservation, physicochemical variation, residue mobility, and thermodynamic stability) indicates that this missense variant is not expected to disrupt EYA4 protein function with a negative predictive value of 80%. In summary, the available evidence is currently insufficient to determine the role of this variant in disease. Therefore, it has been classified as a Variant of Uncertain Significance.

NM_004100.5(EYA4):c.1516G>A (p.Ala506Thr)

Genes: TARID (TCF21 antisense RNA inducing promoter demethylation; minus strand), EYA4 (EYA transcriptional coactivator and phosphatase 4; plus strand). Cytogenetic location: 6q23.2.
Variant type: single nucleotide variant.
Coding change: c.1516G>A on transcript NM_004100.5 (MANE Select); coding-DNA position 1516, G replaced by A.
Protein change: p.Ala506Thr; replaces alanine 506 with threonine.
Molecular consequence: missense variant.
Genome position (GRCh38, 1-based): chr6:133,515,335, G>A. VCF-style: chr6-133515335-G-A. GRCh37 (hg19) VCF-style: chr6-133836473-G-A.
Other names: c.1354G>A, p.Ala452Thr (NM_001301012.2); c.1534G>A, p.Ala512Thr (NM_001301013.2); c.1447G>A, p.Ala483Thr (NM_001370458.1, NM_172103.4); c.1372G>A, p.Ala458Thr (NM_001370459.1); c.1516G>A, p.Ala506Thr (NM_172105.4); short protein forms A483T, A452T, A512T, A458T, A506T.
Identifiers: ClinVar variation 2081009 (VCV002081009.4), dbSNP rs966539346, ClinGen allele CA148043387.